The following is an entry in ClinVar:

NM_001083614.2(EARS2):c.1327G>T (p.Asp443Tyr)

Gene: EARS2 (glutamyl-tRNA synthetase 2, mitochondrial; minus strand). Cytogenetic location: 16p12.2.
Variant type: single nucleotide variant.
Coding change: c.1327G>T on transcript NM_001083614.2 (MANE Select); coding-DNA position 1327, G replaced by T.
Protein change: p.Asp443Tyr; replaces aspartic acid 443 with tyrosine.
Molecular consequence: missense variant. On other transcripts: non-coding transcript variant (1).
Genome position (GRCh38, 1-based): chr16:23,529,527, C>A on the plus strand (G>T on the coding strand, the complement: EARS2 is on the minus strand). VCF-style: chr16-23529527-C-A. GRCh37 (hg19) VCF-style: chr16-23540848-C-A.
Other names: c.1327G>T, p.Asp443Tyr (NM_001308211.1); short protein forms D443Y.
Identifiers: ClinVar variation 4852409 (VCV004852409.1).

ClinVar aggregate classification (germline): Uncertain significance (1 of 4 stars; one submission).

Conditions:
Leukoencephalopathy-thalamus and brainstem anomalies-high lactate syndrome. Also called: Combined oxidative phosphorylation deficiency 12; LEUKOENCEPHALOPATHY WITH THALAMUS AND BRAINSTEM INVOLVEMENT AND HIGH LACTATE. Identifiers: Orphanet 314051, MedGen C4706421, MONDO:0013971, OMIM 614924.

Submission:

Department of Genetics, Sultan Qaboos University Hospital
Classification: Uncertain significance for Leukoencephalopathy-thalamus and brainstem anomalies-high lactate syndrome. Last evaluated: 2026-04-01. Review status: criteria provided, single submitter. Criteria: ACMG Guidelines, 2015. Collection method: clinical testing. Allele origin: germline. Affected: yes. Observed: 1 variant allele.
Comment: PM2_Supporting,BP4_Moderate